The following is an entry in ClinVar:

NM_001365951.3(KIF1B):c.2714C>G (p.Ala905Gly)

Genes: KIF1B (kinesin family member 1B; plus strand), LOC126805614 (BRD4-independent group 4 enhancer GRCh37_chr1:10385546-10386745; plus strand). Cytogenetic location: 1p36.22.
Variant type: single nucleotide variant.
Coding change: c.2714C>G on transcript NM_001365951.3 (MANE Select); coding-DNA position 2714, C replaced by G.
Protein change: p.Ala905Gly; replaces alanine 905 with glycine.
Molecular consequence: missense variant.
Genome position (GRCh38, 1-based): chr1:10,326,149, C>G. VCF-style: chr1-10326149-C-G. GRCh37 (hg19) VCF-style: chr1-10386207-C-G.
Other names: c.2714C>G, p.Ala905Gly (NM_001365952.1); c.2576C>G, p.Ala859Gly (NM_015074.3); short protein forms A905G, A859G.
Identifiers: ClinVar variation 1793308 (VCV001793308.2), dbSNP rs1270308008, ClinGen allele CA338336884.

ClinVar aggregate classification (germline): Uncertain significance (1 of 4 stars; one submission).

Allele frequency attached by ClinVar (database versions not stated): gnomAD exomes below 0.00001; TOPMed below 0.00001; gnomAD 0.00001.
gnomAD v4.1: 2 of 1,614,032 alleles (0.00012%); highest among the groups gnomAD compares: Non-Finnish European, 0.00017%; no homozygotes.

Submission:

Ambry Genetics
Classification: Uncertain significance. Last evaluated: 2022-03-23. Review status: criteria provided, single submitter. Criteria: Ambry Variant Classification Scheme 2023. Collection method: clinical testing. Allele origin: germline.
Comment: The p.A859G variant (also known as c.2576C>G), located in coding exon 24 of the KIF1B gene, results from a C to G substitution at nucleotide position 2576. The alanine at codon 859 is replaced by glycine, an amino acid with similar properties. This amino acid position is conserved. In addition, this alteration is predicted to be tolerated by in silico analysis. Since supporting evidence is limited at this time, the clinical significance of this alteration remains unclear.